The following is an entry in ClinVar:

NM_001267550.2(TTN):c.90991C>T (p.Pro30331Ser)

Genes: TTN-AS1 (TTN antisense RNA 1; plus strand), TTN (titin; minus strand). Cytogenetic location: 2q31.2.
Variant type: single nucleotide variant.
Coding change: c.90991C>T on transcript NM_001267550.2 (MANE Select); coding-DNA position 90991, C replaced by T.
Protein change: p.Pro30331Ser; replaces proline 30331 with serine.
Molecular consequence: missense variant.
Genome position (GRCh38, 1-based): chr2:178,551,909, G>A on the plus strand (C>T on the coding strand, the complement: TTN is on the minus strand). VCF-style: chr2-178551909-G-A. GRCh37 (hg19) VCF-style: chr2-179416636-G-A.
Other names: p.P28690S:CCA>TCA; p.Pro28690Ser; c.86068C>T, p.Pro28690Ser (NM_001256850.1); c.63796C>T, p.Pro21266Ser (NM_003319.4); c.83287C>T, p.Pro27763Ser (NM_133378.4); c.64171C>T, p.Pro21391Ser (NM_133432.3); c.64372C>T, p.Pro21458Ser (NM_133437.4); short protein forms P28690S, P30331S, P21266S, P27763S, P21458S, P21391S.
Identifiers: ClinVar variation 202973 (VCV000202973.21), dbSNP rs75022916, ClinGen allele CA310855.

ClinVar aggregate classification (germline): Conflicting classifications of pathogenicity. Review status: criteria provided, conflicting classifications (1 of 4 stars). 9 submissions from 9 submitters: Uncertain significance (5); Likely benign (3). 1 of the submissions does not count toward it. Last evaluated 2025-10-21.

Conditions:
Dilated cardiomyopathy 1G (CMD1G). Identifiers: Orphanet 154, MedGen C1858763, MONDO:0011400, OMIM 604145.
Autosomal recessive limb-girdle muscular dystrophy type 2J (LGMDR10). Also called: MUSCULAR DYSTROPHY, LIMB-GIRDLE, AUTOSOMAL RECESSIVE 10; Limb-girdle muscular dystrophy, type 2J. Identifiers: Orphanet 140922, MedGen C1837342, MONDO:0012127, OMIM 608807.
TTN-related disorder. Also called: TTN-related condition; TTN-related disease; TTN-related disorders.
Cardiovascular phenotype. Identifiers: MedGen CN230736.

Allele frequency attached by ClinVar (database versions not stated): gnomAD exomes 0.00004; ExAC 0.00007; ESP Exome Variant Server 0.00008; 1000 Genomes Project 30x 0.00016; 1000 Genomes Project 0.00020; gnomAD 0.00027 and 0.00030; TOPMed 0.00033.
gnomAD v4.1: 70 of 1,613,694 alleles (0.0043%); highest among the groups gnomAD compares: African/African-American, 0.087%; no homozygotes.

Submissions (9):

Mayo Clinic Laboratories, Mayo Clinic
Classification: Uncertain significance. Last evaluated: 2025-10-21. Review status: criteria provided, single submitter. Criteria: ACMG Guidelines, 2015. Collection method: clinical testing. Allele origin: germline. Observed: 2 variant alleles.
Comment: BS1

Molecular Diagnostic Laboratory for Inherited Cardiovascular Disease, Montreal Heart Institute
Classification: Likely benign. Last evaluated: 2025-04-09. Review status: criteria provided, single submitter. Criteria: ACMG Guidelines, 2015. Collection method: clinical testing. Allele origin: germline. Affected: no.

Revvity Omics, Revvity
Classification: Uncertain significance. Last evaluated: 2023-12-28. Review status: criteria provided, single submitter. Criteria: ACMG Guidelines, 2015. Collection method: clinical testing. Allele origin: germline.

GeneDx
Classification: Likely benign. Last evaluated: 2020-10-09. Review status: criteria provided, single submitter. Criteria: GeneDx Variant Classification Process June 2021. Collection method: clinical testing. Allele origin: germline. Affected: yes.
Comment: This variant is associated with the following publications: (PMID: 25589632)

Ambry Genetics
Classification: Likely benign for Cardiovascular phenotype. Last evaluated: 2020-09-08. Review status: criteria provided, single submitter. Criteria: Ambry Variant Classification Scheme 2023. Collection method: clinical testing. Allele origin: germline.

Women's Health and Genetics/Laboratory Corporation of America, LabCorp
Classification: Uncertain significance. Last evaluated: 2019-11-25. Review status: criteria provided, single submitter. Criteria: LabCorp Variant Classification Summary - May 2015. Collection method: clinical testing. Allele origin: germline.
Comment: Variant summary: TTN c.83287C>T (p.Pro27763Ser) results in a non-conservative amino acid change located in the A-band of the encoded protein sequence. Four of five in-silico tools predict a damaging effect of the variant on protein function. The variant allele was found at a frequency of 4.4e-05 in 248746 control chromosomes, predominantly at a frequency of 0.00065 within the African or African-American subpopulation in the gnomAD database. This frequency is not significantly higher than expected for a pathogenic variant in TTN causing Cardiomyopathy (4.4e-05 vs 0.00063), allowing no conclusion about variant significance. To our knowledge, no occurrence of c.83287C>T in individuals affected with Cardiomyopathy and no experimental evidence demonstrating its impact on protein function have been reported. Four ClinVar submissions (evaluation after 2014) cite the variant three times as uncertain significance and once as likely benign. Based on the evidence outlined above, the variant was classified as uncertain significance.

Labcorp Genetics (formerly Invitae), Labcorp
Classification: Uncertain significance for Dilated cardiomyopathy 1G; Autosomal recessive limb-girdle muscular dystrophy type 2J. Last evaluated: 2018-06-20. Review status: criteria provided, single submitter. Criteria: Invitae Variant Classification Sherloc (09022015). Collection method: clinical testing. Allele origin: germline.
Comment: This sequence change replaces proline with serine at codon 30331 of the TTN protein (p.Pro30331Ser). The proline residue is highly conserved and there is a moderate physicochemical difference between proline and serine. This variant is present in population databases (rs75022916, ExAC 0.07%). This variant has not been reported in the literature in individuals with TTN-related disease. ClinVar contains an entry for this variant (Variation ID: 202973). Algorithms developed to predict the effect of sequence changes on RNA splicing suggest that this variant may create or strengthen a splice site, but this prediction has not been confirmed by published transcriptional studies. Algorithms developed to predict the effect of missense changes on protein structure and function are unavailable for the TTN gene. This variant identified in the TTN gene is located in the A band of the resulting protein (PMID: 25589632). It is unclear how this variant impacts the function of this protein. In summary, the available evidence is currently insufficient to determine the role of this variant in disease. Therefore, it has been classified as a Variant of Uncertain Significance.

Eurofins Ntd Llc (ga)
Classification: Uncertain significance. Last evaluated: 2017-07-17. Review status: criteria provided, single submitter. Criteria: EGL Classification Definitions 2015. Collection method: clinical testing. Allele origin: germline. Observed: 1 variant allele, 1 heterozygote.

PreventionGenetics, part of Exact Sciences
Classification: Uncertain significance for TTN-related condition. Last evaluated: 2024-05-08. Review status: no assertion criteria provided. Collection method: clinical testing. Allele origin: germline. Not counted in ClinVar's aggregate classification.
Comment: The TTN c.90991C>T variant is predicted to result in the amino acid substitution p.Pro30331Ser. To our knowledge, this variant has not been reported in the literature. This variant is reported in 0.070% of alleles in individuals of African descent in gnomAD. Although we suspect that this variant may be benign, at this time, the clinical significance of this variant is uncertain due to the absence of conclusive functional and genetic evidence.

Literature cited by the submitters: PubMed 25589632 (cited by Labcorp Genetics (formerly Invitae), Labcorp).